The following is an entry in ClinVar:

NM_001378328.1(CELSR1):c.6877G>A (p.Glu2293Lys)

Gene: CELSR1 (cadherin EGF LAG seven-pass G-type receptor 1; minus strand). Cytogenetic location: 22q13.31.
Variant type: single nucleotide variant.
Coding change: c.6877G>A on transcript NM_001378328.1 (MANE Select); coding-DNA position 6877, G replaced by A.
Protein change: p.Glu2293Lys; replaces glutamic acid 2293 with lysine.
Molecular consequence: missense variant.
Genome position (GRCh38, 1-based): chr22:46,384,549, C>T on the plus strand (G>A on the coding strand, the complement: CELSR1 is on the minus strand). VCF-style: chr22-46384549-C-T. GRCh37 (hg19) VCF-style: chr22-46780446-C-T.
Other names: c.6877G>A, p.Glu2293Lys (NM_014246.4); c.6877G>A (NM_014246.1); short protein forms E2293K.
Identifiers: ClinVar variation 2653320 (VCV002653320.26), dbSNP rs140996267, ClinGen allele CA10293602.
Genomic context (GRCh38, chr22:46,384,549, plus strand): 5'-CTCCCTGAACGCTGGGGACTCCGAGGGCAGCAGCAGGTTTCTAAGCGGTTTTACCTTTTT[C>T]TTCAGGTGGTCTGAAGAAGTCGGCTGGGAAGGAGACGGAGGACTCCAGCTCCCTGGGGAA-3'
Protein context (NP_001365257.1, residues 2283-2303): FPADFFRPPE[Glu2293Lys]KEGPLLRPAG

ClinVar aggregate classification (germline): Benign/Likely benign. Review status: criteria provided, multiple submitters, no conflicts (2 of 4 stars). 3 submissions from 3 submitters: Benign (1); Likely benign (1). 1 of the submissions does not count toward it. Last evaluated 2025-11-01.

Conditions:
CELSR1-related disorder. Also called: CELSR1-related condition.

Allele frequency attached by ClinVar (database versions not stated): 1000 Genomes Project 0.00100; 1000 Genomes Project 30x 0.00125; ESP Exome Variant Server 0.00223; gnomAD 0.00234; TOPMed 0.00252; gnomAD exomes 0.00276; ExAC 0.00396.
gnomAD v4.1: 4,347 of 1,606,034 alleles (0.27%); highest among the groups gnomAD compares: Admixed American, 0.39%; 6 homozygotes.

Submissions (3):

CeGaT Center for Human Genetics Tuebingen
Classification: Benign. Last evaluated: 2025-11-01. Review status: criteria provided, single submitter. Criteria: CeGaT Center For Human Genetics Tuebingen Variant Classification Criteria Version 2. Collection method: clinical testing. Allele origin: germline. Affected: yes. Observed: 4 variant alleles.
Comment: CELSR1: BS1, BS2

Blueprint Genetics
Classification: Likely benign. Last evaluated: 2024-11-28. Review status: criteria provided, single submitter. Criteria: ACMG Guidelines, 2015. Collection method: clinical testing. Allele origin: germline.

PreventionGenetics, part of Exact Sciences
Classification: Likely benign for CELSR1-related condition. Last evaluated: 2022-05-26. Review status: no assertion criteria provided. Collection method: clinical testing. Allele origin: germline. Not counted in ClinVar's aggregate classification.
Comment: This variant is classified as likely benign based on ACMG/AMP sequence variant interpretation guidelines (Richards et al. 2015 PMID: 25741868, with internal and published modifications).